The following is an entry in ClinVar:

ClinVar aggregate classification (germline): Uncertain significance (1 of 4 stars; one submission).

Conditions:
Cardiovascular phenotype. Identifiers: MedGen CN230736.

Submission:

Ambry Genetics
Classification: Uncertain significance for Cardiovascular phenotype. Last evaluated: 2021-07-15. Review status: criteria provided, single submitter. Criteria: Ambry Variant Classification Scheme 2023. Collection method: clinical testing. Allele origin: germline.
Comment: The p.S940A variant (also known as c.2818T>G), located in coding exon 19 of the GAA gene, results from a T to G substitution at nucleotide position 2818. The serine at codon 940 is replaced by alanine, an amino acid with similar properties. This amino acid position is conserved. In addition, this alteration is predicted to be tolerated by in silico analysis. Since supporting evidence is limited at this time, the clinical significance of this alteration remains unclear.

NM_000152.5(GAA):c.2818T>G (p.Ser940Ala)

Gene: GAA (alpha glucosidase; plus strand). Cytogenetic location: 17q25.3.
Variant type: single nucleotide variant.
Coding change: c.2818T>G on transcript NM_000152.5 (MANE Select); coding-DNA position 2818, T replaced by G.
Protein change: p.Ser940Ala; replaces serine 940 with alanine.
Molecular consequence: missense variant.
Genome position (GRCh38, 1-based): chr17:80,119,290, T>G. VCF-style: chr17-80119290-T-G. GRCh37 (hg19) VCF-style: chr17-78093089-T-G.
Other names: c.2818T>G, p.Ser940Ala (NM_001079803.3, NM_001079804.3, NM_001406741.1 and 1 more transcripts); short protein forms S940A.
Identifiers: ClinVar variation 1796400 (VCV001796400.2), dbSNP rs2510407139, ClinGen allele CA401327756.